The following is an entry in ClinVar:

ClinVar aggregate classification (germline): Uncertain significance. Review status: criteria provided, multiple submitters, no conflicts (2 of 4 stars). 2 submissions from 2 submitters: Uncertain significance (2). Last evaluated 2025-05-23.

Conditions:
Hereditary cancer-predisposing syndrome. Also called: Hereditary Cancer Syndrome; Tumor predisposition; Hereditary neoplastic syndrome; Neoplastic Syndromes, Hereditary. Identifiers: Orphanet 140162, MedGen C0027672, MeSH D009386, MONDO:0015356.

Submissions (2):

Ambry Genetics
Classification: Uncertain significance for Hereditary cancer-predisposing syndrome. Last evaluated: 2025-05-23. Review status: criteria provided, single submitter. Criteria: Ambry Variant Classification Scheme 2023. Collection method: clinical testing. Allele origin: germline.
Comment: The p.T240P variant (also known as c.718A>C), located in coding exon 5 of the NTHL1 gene, results from an A to C substitution at nucleotide position 718. The threonine at codon 240 is replaced by proline, an amino acid with highly similar properties. This amino acid position is conserved. In addition, this alteration is predicted to be deleterious by in silico analysis. Since supporting evidence is limited at this time, the clinical significance of this alteration remains unclear.

Labcorp Genetics (formerly Invitae), Labcorp
Classification: Uncertain significance. Last evaluated: 2020-02-05. Review status: criteria provided, single submitter. Criteria: Invitae Variant Classification Sherloc (09022015). Collection method: clinical testing. Allele origin: germline.
Comment: This variant has not been reported in the literature in individuals with NTHL1-related conditions. Algorithms developed to predict the effect of missense changes on protein structure and function are either unavailable or do not agree on the potential impact of this missense change (SIFT: "Not Available"; PolyPhen-2: "Probably Damaging"; Align-GVGD: "Not Available"). In summary, the available evidence is currently insufficient to determine the role of this variant in disease. Therefore, it has been classified as a Variant of Uncertain Significance. This sequence change replaces threonine with proline at codon 240 of the NTHL1 protein (p.Thr240Pro). The threonine residue is moderately conserved and there is a small physicochemical difference between threonine and proline. This variant is not present in population databases (ExAC no frequency).

NM_002528.7(NTHL1):c.694A>C (p.Thr232Pro)

Gene: NTHL1 (nth like DNA glycosylase 1; minus strand). Cytogenetic location: 16p13.3.
Variant type: single nucleotide variant.
Coding change: c.694A>C on transcript NM_002528.7 (MANE Select); coding-DNA position 694, A replaced by C.
Protein change: p.Thr232Pro; replaces threonine 232 with proline.
Molecular consequence: missense variant.
Genome position (GRCh38, 1-based): chr16:2,040,230, T>G on the plus strand (A>C on the coding strand, the complement: NTHL1 is on the minus strand). VCF-style: chr16-2040230-T-G. GRCh37 (hg19) VCF-style: chr16-2090231-T-G.
Other names: c.718A>C (NM_002528.5); c.523A>C, p.Thr175Pro (NM_001318193.2); c.364A>C, p.Thr122Pro (NM_001318194.2); short protein forms T122P, T175P, T232P.
Identifiers: ClinVar variation 1057280 (VCV001057280.10), dbSNP rs2150938439, ClinGen allele CA394289351.